The following is an entry in ClinVar:

ClinVar aggregate classification (germline): Conflicting classifications of pathogenicity. Review status: criteria provided, conflicting classifications (1 of 4 stars). 2 submissions from 2 submitters: Uncertain significance (1); Likely benign (1). Last evaluated 2023-10-05.

Conditions:
Inborn genetic diseases. Identifiers: MedGen C0950123, MeSH D030342.

Allele frequency attached by ClinVar (database versions not stated): gnomAD exomes 0.00002; ExAC 0.00003; TOPMed 0.00006; gnomAD 0.00007; ESP Exome Variant Server 0.00016.
gnomAD v4.1: 42 of 1,613,838 alleles (0.0026%); highest among the groups gnomAD compares: Admixed American, 0.012%; no homozygotes.

Submissions (2):

Ambry Genetics
Classification: Likely benign for Inborn genetic diseases. Last evaluated: 2023-10-05. Review status: criteria provided, single submitter. Criteria: Ambry Variant Classification Scheme 2023. Collection method: clinical testing. Allele origin: germline.

Labcorp Genetics (formerly Invitae), Labcorp
Classification: Uncertain significance. Last evaluated: 2022-10-13. Review status: criteria provided, single submitter. Criteria: Invitae Variant Classification Sherloc (09022015). Collection method: clinical testing. Allele origin: germline.
Comment: Advanced modeling of protein sequence and biophysical properties (such as structural, functional, and spatial information, amino acid conservation, physicochemical variation, residue mobility, and thermodynamic stability) performed at Invitae indicates that this missense variant is not expected to disrupt COL4A2 protein function. This variant has not been reported in the literature in individuals affected with COL4A2-related conditions. This variant is present in population databases (rs368863212, gnomAD 0.01%). This sequence change replaces arginine, which is basic and polar, with glutamine, which is neutral and polar, at codon 1540 of the COL4A2 protein (p.Arg1540Gln). In summary, the available evidence is currently insufficient to determine the role of this variant in disease. Therefore, it has been classified as a Variant of Uncertain Significance.

NM_001846.4(COL4A2):c.4619G>A (p.Arg1540Gln)

Genes: COL4A2 (collagen type IV alpha 2 chain; plus strand), COL4A2-AS1 (COL4A2 antisense RNA 1; minus strand). Cytogenetic location: 13q34.
Variant type: single nucleotide variant.
Coding change: c.4619G>A on transcript NM_001846.4 (MANE Select); coding-DNA position 4619, G replaced by A.
Protein change: p.Arg1540Gln; replaces arginine 1540 with glutamine.
Molecular consequence: missense variant.
Genome position (GRCh38, 1-based): chr13:110,507,959, G>A. VCF-style: chr13-110507959-G-A. GRCh37 (hg19) VCF-style: chr13-111160306-G-A.
Other names: c.4619G>A (NM_001846.2); short protein forms R1540Q.
Identifiers: ClinVar variation 2187864 (VCV002187864.5), dbSNP rs368863212, ClinGen allele CA7050618.